The following is an entry in ClinVar:

NR_046324.1(CHRNA7):n.27C>T

Gene: CHRNA7 (cholinergic receptor nicotinic alpha 7 subunit). Cytogenetic location: 15q13.3.
Variant type: single nucleotide variant.
Molecular consequence: non-coding transcript variant (on NR_046324.1).
Genome position: GRCh38 VCF-style: chr15-32030509-C-T. GRCh37 (hg19) VCF-style: chr15-32322712-C-T.
Identifiers: ClinVar variation 1235884 (VCV001235884.4), dbSNP rs149637464, ClinGen allele CA268553672.

ClinVar aggregate classification (germline): Benign. Review status: criteria provided, multiple submitters, no conflicts (2 of 4 stars). 2 submissions from 2 submitters: Benign (2). Last evaluated 2018-07-09.

Allele frequency attached by ClinVar (database versions not stated): 1000 Genomes Project 30x 0.02249; gnomAD 0.03441 and 0.03445; TOPMed 0.03472; gnomAD exomes 0.04995.
gnomAD v4.1: 61,841 of 1,286,654 alleles (4.8%); highest among the groups gnomAD compares: Middle Eastern, 5.6%; 1,607 homozygotes.

Submissions (2):

GeneDx
Classification: Benign. Last evaluated: 2018-07-09. Review status: criteria provided, single submitter. Criteria: GeneDx Variant Classification Process June 2021. Collection method: clinical testing. Allele origin: germline. Affected: yes.
Comment: This variant is associated with the following publications: (PMID: 12470124)

Breakthrough Genomics
Classification: Benign. Review status: criteria provided, single submitter. Criteria: ACMG Guidelines, 2015. Collection method: not provided. Allele origin: germline. Inheritance: Unknown mechanism. Affected: yes.